The following is an entry in ClinVar:

NM_001384140.1(PCDH15):c.268G>A (p.Val90Ile)

Gene: PCDH15 (protocadherin related 15; minus strand). Cytogenetic location: 10q21.1.
Variant type: single nucleotide variant.
Coding change: c.268G>A on transcript NM_001384140.1 (MANE Select); coding-DNA position 268, G replaced by A.
Protein change: p.Val90Ile; replaces valine 90 with isoleucine.
Molecular consequence: missense variant.
Genome position (GRCh38, 1-based): chr10:54,378,832, C>T on the plus strand (G>A on the coding strand, the complement: PCDH15 is on the minus strand). VCF-style: chr10-54378832-C-T. GRCh37 (hg19) VCF-style: chr10-56138592-C-T.
Other names: c.283G>A, p.Val95Ile (NM_001142763.2, NM_001142769.4, NM_001142771.2); c.268G>A, p.Val90Ile (NM_001142764.2, NM_001142765.2, NM_001142766.2 and 8 more transcripts); c.202G>A, p.Val68Ile (NM_001142768.2, NM_001142773.2, NM_001354404.2); short protein forms V90I, V95I, V68I.
Identifiers: ClinVar variation 2169488 (VCV002169488.1), dbSNP rs1383091106, ClinGen allele CA376540510.

ClinVar aggregate classification (germline): Uncertain significance (1 of 4 stars; one submission).

Allele frequency attached by ClinVar (database versions not stated): TOPMed below 0.00001.
gnomAD v4.1: 12 of 1,613,906 alleles (0.00074%); highest among the groups gnomAD compares: Non-Finnish European, 0.00076%; no homozygotes.

Submission:

Labcorp Genetics (formerly Invitae), Labcorp
Classification: Uncertain significance. Last evaluated: 2022-07-18. Review status: criteria provided, single submitter. Criteria: Invitae Variant Classification Sherloc (09022015). Collection method: clinical testing. Allele origin: germline.
Comment: This sequence change replaces valine, which is neutral and non-polar, with isoleucine, which is neutral and non-polar, at codon 90 of the PCDH15 protein (p.Val90Ile). This variant is present in population databases (no rsID available, gnomAD 0.0009%). This variant has not been reported in the literature in individuals affected with PCDH15-related conditions. Algorithms developed to predict the effect of missense changes on protein structure and function output the following: SIFT: "Tolerated"; PolyPhen-2: "Benign"; Align-GVGD: "Class C0". The isoleucine amino acid residue is found in multiple mammalian species, which suggests that this missense change does not adversely affect protein function. In summary, the available evidence is currently insufficient to determine the role of this variant in disease. Therefore, it has been classified as a Variant of Uncertain Significance.